The following is an entry in ClinVar:

ClinVar aggregate classification (germline): Uncertain significance (1 of 4 stars; one submission).

Allele frequency attached by ClinVar (database versions not stated): gnomAD exomes below 0.00001.
gnomAD v4.1: 4 of 1,552,178 alleles (0.00026%); highest among the groups gnomAD compares: South Asian, 0.0048%; no homozygotes.

Submission:

Labcorp Genetics (formerly Invitae), Labcorp
Classification: Uncertain significance. Last evaluated: 2023-06-21. Review status: criteria provided, single submitter. Criteria: Invitae Variant Classification Sherloc (09022015). Collection method: clinical testing. Allele origin: germline.
Comment: This variant is not present in population databases (gnomAD no frequency). This variant has not been reported in the literature in individuals affected with CHD8-related conditions. An algorithm developed to predict the effect of missense changes on protein structure and function (PolyPhen-2) suggests that this variant is likely to be tolerated. In summary, the available evidence is currently insufficient to determine the role of this variant in disease. Therefore, it has been classified as a Variant of Uncertain Significance. This sequence change replaces valine, which is neutral and non-polar, with leucine, which is neutral and non-polar, at codon 2405 of the CHD8 protein (p.Val2405Leu).

NM_001170629.2(CHD8):c.7213G>C (p.Val2405Leu)

Gene: CHD8 (chromodomain helicase DNA binding protein 8; minus strand). Cytogenetic location: 14q11.2.
Variant type: single nucleotide variant.
Coding change: c.7213G>C on transcript NM_001170629.2 (MANE Select); coding-DNA position 7213, G replaced by C.
Protein change: p.Val2405Leu; replaces valine 2405 with leucine.
Molecular consequence: missense variant.
Genome position (GRCh38, 1-based): chr14:21,386,146, C>G on the plus strand (G>C on the coding strand, the complement: CHD8 is on the minus strand). VCF-style: chr14-21386146-C-G. GRCh37 (hg19) VCF-style: chr14-21854305-C-G.
Other names: c.6376G>C, p.Val2126Leu (NM_020920.4); short protein forms V2126L, V2405L.
Identifiers: ClinVar variation 3009016 (VCV003009016.3), dbSNP rs2501814451, ClinGen allele CA388875646.